The following is an entry in ClinVar:

NM_021076.4(NEFH):c.1209-4G>A

Gene: NEFH (neurofilament heavy chain; plus strand). Cytogenetic location: 22q12.2.
Variant type: single nucleotide variant.
Coding change: c.1209-4G>A on transcript NM_021076.4 (MANE Select); 4 bases into the intron before coding-DNA position 1209, G replaced by A.
Molecular consequence: intron variant.
Genome position (GRCh38, 1-based): chr22:29,488,845, G>A. VCF-style: chr22-29488845-G-A. GRCh37 (hg19) VCF-style: chr22-29884834-G-A.
Identifiers: ClinVar variation 1749417 (VCV001749417.2), dbSNP rs2517976303, ClinGen allele CA2580099422.

ClinVar aggregate classification (germline): Uncertain significance (1 of 4 stars; one submission).

Conditions:
Inborn genetic diseases. Identifiers: MedGen C0950123, MeSH D030342.

Allele frequency attached by ClinVar (database versions not stated): gnomAD exomes below 0.00001.
gnomAD v4.1: 1 of 1,614,128 alleles (0.000062%); highest among the groups gnomAD compares: Non-Finnish European, 0.000085%; no homozygotes.

Submission:

Ambry Genetics
Classification: Uncertain significance for Inborn genetic diseases. Last evaluated: 2021-06-04. Review status: criteria provided, single submitter. Criteria: Ambry Variant Classification Scheme 2023. Collection method: clinical testing. Allele origin: germline.
Comment: The c.1209-4G>A intronic variant results from a G to A substitution 4 nucleotides upstream from coding exon 4 in the NEFH gene. This nucleotide position is not well conserved in available vertebrate species. In silico splice site analysis predicts that this alteration will not have any significant effect on splicing. Since supporting evidence is limited at this time, the clinical significance of this alteration remains unclear.